The following is an entry in ClinVar:

NM_004268.5(MED17):c.565C>T (p.Arg189Ter)

Gene: MED17 (mediator complex subunit 17; plus strand). Cytogenetic location: 11q21.
Variant type: single nucleotide variant.
Coding change: c.565C>T on transcript NM_004268.5 (MANE Select); coding-DNA position 565, C replaced by T.
Protein change: p.Arg189Ter; replaces arginine 189 with a stop codon.
Molecular consequence: nonsense.
Genome position (GRCh38, 1-based): chr11:93,790,721, C>T. VCF-style: chr11-93790721-C-T. GRCh37 (hg19) VCF-style: chr11-93523887-C-T.
Other names: short protein forms R189*.
Identifiers: ClinVar variation 1069389 (VCV001069389.12), dbSNP rs372097081, ClinGen allele CA6232352.

ClinVar aggregate classification (germline): Pathogenic/Likely pathogenic. Review status: criteria provided, multiple submitters, no conflicts (2 of 4 stars). 4 submissions from 4 submitters: Pathogenic (1); Likely pathogenic (3). Last evaluated 2025-10-16.

Conditions:
Infantile cerebral and cerebellar atrophy with postnatal progressive microcephaly (MSBA). Identifiers: Orphanet 402364, MedGen C3150921, MONDO:0013351, OMIM 613668.

Allele frequency attached by ClinVar (database versions not stated): ESP Exome Variant Server 0.00008; ExAC 0.00001; gnomAD 0.00001; TOPMed 0.00001.
gnomAD v4.1: 28 of 1,614,024 alleles (0.0017%); highest among the groups gnomAD compares: Non-Finnish European, 0.0022%; no homozygotes.

Submissions (4):

Natera, Inc.
Classification: Likely pathogenic for Postnatal progressive microcephaly with seizures and brain atrophy. Last evaluated: 2025-10-16. Review status: criteria provided, single submitter. Criteria: Natera Variant Classification Schema (03/2026). Collection method: clinical testing. Allele origin: germline.
Comment: The c.565C>T variant in MED17 is a nonsense variant predicted to introduce a stop codon at amino acid 189. This variant is expected to result in nonsense mediated decay, truncation, or a dysfunctional protein product. This variant is rare in the general population with a frequency below the threshold expected for the associated phenotype(s). Given the available evidence, this variant is classified as Likely Pathogenic.

Fulgent Genetics
Classification: Likely pathogenic for Infantile cerebral and cerebellar atrophy with postnatal progressive microcephaly. Last evaluated: 2024-04-08. Review status: criteria provided, single submitter. Criteria: ACMG Guidelines, 2015. Collection method: clinical testing. Allele origin: germline.

Labcorp Genetics (formerly Invitae), Labcorp
Classification: Pathogenic. Last evaluated: 2024-02-29. Review status: criteria provided, single submitter. Criteria: Invitae Variant Classification Sherloc (09022015). Collection method: clinical testing. Allele origin: germline.
Comment: This sequence change creates a premature translational stop signal (p.Arg189*) in the MED17 gene. It is expected to result in an absent or disrupted protein product. Loss-of-function variants in MED17 are known to be pathogenic (PMID: 20950787, 26004231, 30345598). This variant is present in population databases (rs372097081, gnomAD 0.0009%). This variant has not been reported in the literature in individuals affected with MED17-related conditions. ClinVar contains an entry for this variant (Variation ID: 1069389). For these reasons, this variant has been classified as Pathogenic.

Revvity Omics, Revvity
Classification: Likely pathogenic for Infantile cerebral and cerebellar atrophy with postnatal progressive microcephaly. Last evaluated: 2020-06-25. Review status: criteria provided, single submitter. Criteria: ACMG Guidelines, 2015. Collection method: clinical testing. Allele origin: germline.

Literature cited by the submitters: PubMed 20950787 (cited by Labcorp Genetics (formerly Invitae), Labcorp); PubMed 26004231 (cited by Labcorp Genetics (formerly Invitae), Labcorp); PubMed 30345598 (cited by Labcorp Genetics (formerly Invitae), Labcorp).